The following is an entry in ClinVar:

NM_006218.4(PIK3CA):c.1662C>G (p.His554Gln)

Gene: PIK3CA (phosphatidylinositol-4,5-bisphosphate 3-kinase catalytic subunit alpha; plus strand). Cytogenetic location: 3q26.32.
Variant type: single nucleotide variant.
Coding change: c.1662C>G on transcript NM_006218.4 (MANE Select); coding-DNA position 1662, C replaced by G.
Protein change: p.His554Gln; replaces histidine 554 with glutamine.
Molecular consequence: missense variant.
Genome position (GRCh38, 1-based): chr3:179,218,332, C>G. VCF-style: chr3-179218332-C-G. GRCh37 (hg19) VCF-style: chr3-178936120-C-G.
Other names: short protein forms H554Q.
Identifiers: ClinVar variation 3225333 (VCV003225333.1), dbSNP rs2108408479, ClinGen allele CA355265309.

ClinVar aggregate classification (germline): Uncertain significance (1 of 4 stars; one submission).

Conditions:
Inborn genetic diseases. Identifiers: MedGen C0950123, MeSH D030342.

Submission:

Ambry Genetics
Classification: Uncertain significance for Inborn genetic diseases. Last evaluated: 2024-02-02. Review status: criteria provided, single submitter. Criteria: Ambry Variant Classification Scheme 2023. Collection method: clinical testing. Allele origin: germline.
Comment: The p.H554Q variant (also known as c.1662C>G), located in coding exon 9 of the PIK3CA gene, results from a C to G substitution at nucleotide position 1662. The histidine at codon 554 is replaced by glutamine, an amino acid with highly similar properties. This amino acid position is conserved. In addition, the in silico prediction for this alteration is inconclusive. Based on the available evidence, the clinical significance of this alteration remains unclear.